The following is an entry in ClinVar:

ClinVar aggregate classification (germline): Uncertain significance (1 of 4 stars; one submission).

Submission:

Labcorp Genetics (formerly Invitae), Labcorp
Classification: Uncertain significance. Last evaluated: 2022-01-15. Review status: criteria provided, single submitter. Criteria: Invitae Variant Classification Sherloc (09022015). Collection method: clinical testing. Allele origin: germline.
Comment: In summary, the available evidence is currently insufficient to determine the role of this variant in disease. Therefore, it has been classified as a Variant of Uncertain Significance. Algorithms developed to predict the effect of missense changes on protein structure and function (SIFT, PolyPhen-2, Align-GVGD) all suggest that this variant is likely to be tolerated. This variant has not been reported in the literature in individuals affected with CTNNB1-related conditions. This variant is not present in population databases (gnomAD no frequency). This sequence change replaces methionine, which is neutral and non-polar, with isoleucine, which is neutral and non-polar, at codon 243 of the CTNNB1 protein (p.Met243Ile).

NM_001904.4(CTNNB1):c.729G>A (p.Met243Ile)

Genes: CTNNB1 (catenin beta 1; plus strand), LOC126806658 (BRD4-independent group 4 enhancer GRCh37_chr3:41265899-41267098; plus strand). Cytogenetic location: 3p22.1.
Variant type: single nucleotide variant.
Coding change: c.729G>A on transcript NM_001904.4 (MANE Select); coding-DNA position 729, G replaced by A.
Protein change: p.Met243Ile; replaces methionine 243 with isoleucine.
Molecular consequence: missense variant.
Genome position (GRCh38, 1-based): chr3:41,225,567, G>A. VCF-style: chr3-41225567-G-A. GRCh37 (hg19) VCF-style: chr3-41267058-G-A.
Other names: c.729G>A, p.Met243Ile (NM_001098209.2, NM_001098210.2); c.708G>A, p.Met236Ile (NM_001330729.2); short protein forms M236I, M243I.
Identifiers: ClinVar variation 1522021 (VCV001522021.8), dbSNP rs2125623542, ClinGen allele CA352229942.